The following is an entry in ClinVar:

ClinVar aggregate classification (germline): Likely benign. Review status: criteria provided, multiple submitters, no conflicts (2 of 4 stars). 2 submissions from 2 submitters: Likely benign (2). Last evaluated 2024-11-01.

Allele frequency attached by ClinVar (database versions not stated): ExAC 0.00072; gnomAD exomes 0.00077; gnomAD 0.00081 and 0.00083; TOPMed 0.00089; ESP Exome Variant Server 0.00090.
gnomAD v4.1: 2,203 of 1,613,870 alleles (0.14%); highest among the groups gnomAD compares: Non-Finnish European, 0.17%; 3 homozygotes.

Submissions (2):

CeGaT Center for Human Genetics Tuebingen
Classification: Likely benign. Last evaluated: 2024-11-01. Review status: criteria provided, single submitter. Criteria: CeGaT Center For Human Genetics Tuebingen Variant Classification Criteria Version 2. Collection method: clinical testing. Allele origin: germline. Affected: yes. Observed: 1 variant allele.
Comment: SPIDR: BP4, BP7

Labcorp Genetics (formerly Invitae), Labcorp
Classification: Likely benign. Last evaluated: 2019-12-31. Review status: criteria provided, single submitter. Criteria: Invitae Variant Classification Sherloc (09022015). Collection method: clinical testing. Allele origin: germline.

NM_001080394.4(SPIDR):c.1083G>C (p.Arg361=)

Gene: SPIDR (scaffold protein involved in DNA repair; plus strand). Cytogenetic location: 8q11.21.
Variant type: single nucleotide variant.
Coding change: c.1083G>C on transcript NM_001080394.4 (MANE Select); coding-DNA position 1083, G replaced by C.
Protein change: p.Arg361=; no amino-acid change (arginine 361 retained).
Molecular consequence: synonymous variant. On other transcripts: 5 prime UTR variant (1), non-coding transcript variant (5).
Genome position (GRCh38, 1-based): chr8:47,440,528, G>C. VCF-style: chr8-47440528-G-C. GRCh37 (hg19) VCF-style: chr8-48353090-G-C.
Other names: c.873G>C, p.Arg291= (NM_001282916.1, NM_001352935.1, NM_001352936.1); c.903G>C, p.Arg301= (NM_001282919.1, NM_001352933.1, NM_001352937.1); c.1083G>C, p.Arg361= (NM_001352931.1, NM_001352934.1, NM_001352961.1); c.963G>C, p.Arg321= (NM_001352932.1); c.591G>C, p.Arg197= (NM_001352938.1, NM_001352939.1, NM_001352940.1 and 2 more transcripts); c.567G>C, p.Arg189= (NM_001352941.1, NM_001352944.1); c.426G>C, p.Arg142= (NM_001352942.1, NM_001352949.1); c.357G>C, p.Arg119= (NM_001352945.1); and 3 more.
Identifiers: ClinVar variation 713793 (VCV000713793.18), dbSNP rs201957494, ClinGen allele CA4738065.